The following is an entry in ClinVar:

NM_001267550.2(TTN):c.14649CAT[1] (p.Ile4885del)

Gene: TTN (titin; minus strand). Cytogenetic location: 2q31.2.
Variant type: Microsatellite.
Coding change: c.14649CAT[1] on transcript NM_001267550.2 (MANE Select); one copy of the 3-base unit CAT starting at c.14649; the reference has two copies in a row; one copy, 3 bases deleted.
Protein change: p.Ile4885del; deletes isoleucine 4885.
Molecular consequence: inframe deletion. On other transcripts: intron variant (3).
Genome position (GRCh38, 1-based): chr2:178,735,792-178,735,794, ATG deleted on the plus strand (CAT on the coding strand, the reverse complement: TTN is on the minus strand); deleting any 3 consecutive bases within chr2:178,735,792-178,735,799 gives the same sequence; the position shown is the placement nearest the transcript's 3' end. VCF-style (leftmost placement, unchanged base first): chr2-178735791-AATG-A. GRCh37 (hg19) VCF-style: chr2-179600518-AATG-A.
Other names: c.14652_14654delCAT (NM_001267550.2); c.13698CAT[1], p.Ile4568del (NM_001256850.1); c.10917CAT[1], p.Ile3641del (NM_133378.4); c.13282+2288_13282+2290del (NM_003319.4); c.13858+2288_13858+2290del (NM_133437.4); c.13657+2288_13657+2290del (NM_133432.3); short protein forms I3641del, I4568del, I4885del.
Identifiers: ClinVar variation 4982853 (VCV004982853.1).

ClinVar aggregate classification (germline): Uncertain significance (1 of 4 stars; one submission).

Conditions:
TTN-related disorder. Also called: TTN-related disorders; TTN-related condition; TTN-related disease.

Submission:

PreventionGenetics, part of Exact Sciences
Classification: Uncertain significance for TTN-related condition. Last evaluated: 2025-06-17. Review status: criteria provided, single submitter. Criteria: ACMG Guidelines, 2015. Collection method: clinical testing. Allele origin: germline.
Comment: The TTN c.14652_14654delCAT variant is predicted to result in an in-frame deletion (p.Ile4885del). To our knowledge, this variant has not been reported in the literature. This variant is reported in 0.017% of alleles in individuals of Latino descent in gnomAD. At this time, the clinical significance of this variant is uncertain due to the absence of conclusive functional and genetic evidence.